The following is an entry in ClinVar:

ClinVar aggregate classification (germline): Pathogenic (1 of 4 stars; one submission).

Conditions:
Marfan syndrome (MFS). Also called: MARFAN SYNDROME, TYPE I; Marfan syndrome type 1; Marfan's syndrome; Marfan syndrome, classic; FBN1-Related Marfan Syndrome. Identifiers: Orphanet 284963, Orphanet 558, MedGen C0024796, MONDO:0007947, OMIM 154700.

Submission:

Laboratory for Molecular Medicine, Mass General Brigham Personalized Medicine
Classification: Pathogenic for Marfan syndrome. Last evaluated: 2018-04-17. Review status: criteria provided, single submitter. Criteria: ACMG Guidelines, 2015. Collection method: clinical testing. Allele origin: germline. Inheritance: Autosomal dominant inheritance.
Comment: The p.Gly255fs variant in FBN1 has not been previously reported in individuals with Marfan syndrome or in large population studies. This variant is predicted to cause a frameshift, which alters the protein’s amino acid sequence beginning at position 255 and leads to a premature termination codon 10 amino acids downstream. This alteration is then predicted to lead to a truncated or absent protein. Heterozygous loss of function of the FBN1 gene is an established disease mechanism in Marfan syndrome. In summary, p.Gly255fs variant meets criteria to be classified as pathogenic for Marfan syndrome in an autosomal dominant manner based upon the predicted impact to the protein and absence in controls. ACMG/AMP Criteria applied: PVS1; PM2.

NM_000138.5(FBN1):c.762dup (p.Gly255fs)

Gene: FBN1 (fibrillin 1; minus strand). Cytogenetic location: 15q21.1.
Variant type: Duplication.
Coding change: c.762dup on transcript NM_000138.5 (MANE Select); coding-DNA position 762, one base duplicated (C; older notation c.762dupC).
Protein change: p.Gly255fs; shifts the reading frame from glycine 255.
Molecular consequence: frameshift variant.
Genome position (GRCh38, 1-based): chr15:48,534,180, G duplicated on the plus strand (C on the coding strand, the reverse complement: FBN1 is on the minus strand); the first of 4 consecutive G bases (chr15:48,534,180-48,534,183); duplicating any one gives the same sequence. VCF-style (leftmost placement, unchanged base first): chr15-48534179-C-CG. GRCh37 (hg19) VCF-style: chr15-48826376-C-CG.
Other names: c.762dup, p.Gly255fs (NM_001406716.1, NM_001406717.1); short protein forms G255fs.
Identifiers: ClinVar variation 3076069 (VCV003076069.1), dbSNP rs1064793559, ClinGen allele CA913188647.
Genomic context (GRCh38, chr15:48,534,179, plus strand): 5'-CAGGGCATTTGCACTCAAAAGACCCAACAGTATTAATGCAATTTCCTCCCTGACAGAGCC[C>CG]GGGGATGGCCTGGCATTCATCCACATCTGTCAGATTACAGAAGACAGAGAGAAAAAAAAA-3'